The following is an entry in ClinVar:

NM_000553.6(WRN):c.2146C>T (p.Arg716Cys)

Gene: WRN (WRN RecQ like helicase; plus strand). Cytogenetic location: 8p12.
Variant type: single nucleotide variant.
Coding change: c.2146C>T on transcript NM_000553.6 (MANE Select); coding-DNA position 2146, C replaced by T.
Protein change: p.Arg716Cys; replaces arginine 716 with cysteine.
Molecular consequence: missense variant.
Genome position (GRCh38, 1-based): chr8:31,111,672, C>T. VCF-style: chr8-31111672-C-T. GRCh37 (hg19) VCF-style: chr8-30969188-C-T.
Other names: short protein forms R716C.
Identifiers: ClinVar variation 404053 (VCV000404053.9), dbSNP rs201990558, ClinGen allele CA4704660.

ClinVar aggregate classification (germline): Uncertain significance. Review status: criteria provided, single submitter (1 of 4 stars). 2 submissions from 2 submitters: Uncertain significance (1). 1 of the submissions does not count toward it. Last evaluated 2026-01-25.

Conditions:
WRN-related disorder. Also called: WRN-related condition.
Werner syndrome (WRN). Identifiers: Orphanet 902, MedGen C0043119, MONDO:0010196, OMIM 277700.

Allele frequency attached by ClinVar (database versions not stated): gnomAD exomes 0.00005 and 0.00012; ExAC 0.00015; ESP Exome Variant Server 0.00015; gnomAD 0.00018 and 0.00019; 1000 Genomes Project 0.00020; TOPMed 0.00026; 1000 Genomes Project 30x 0.00031.
gnomAD v4.1: 106 of 1,614,032 alleles (0.0066%); highest among the groups gnomAD compares: African/African-American, 0.037%; no homozygotes.

Submissions (2):

Labcorp Genetics (formerly Invitae), Labcorp
Classification: Uncertain significance for Werner syndrome. Last evaluated: 2026-01-25. Review status: criteria provided, single submitter. Criteria: Invitae Variant Classification Sherloc (09022015). Collection method: clinical testing. Allele origin: germline.
Comment: This sequence change replaces arginine, which is basic and polar, with cysteine, which is neutral and slightly polar, at codon 716 of the WRN protein (p.Arg716Cys). This variant is present in population databases (rs201990558, gnomAD 0.04%). This variant has not been reported in the literature in individuals affected with WRN-related conditions. ClinVar contains an entry for this variant (Variation ID: 404053). An algorithm developed to predict the effect of missense changes on protein structure and function outputs the following: PolyPhen-2: "Benign". The cysteine amino acid residue is found in multiple mammalian species, which suggests that this missense change does not adversely affect protein function. In summary, the available evidence is currently insufficient to determine the role of this variant in disease. Therefore, it has been classified as a Variant of Uncertain Significance.

PreventionGenetics, part of Exact Sciences
Classification: Uncertain significance for WRN-related condition. Last evaluated: 2024-04-27. Review status: no assertion criteria provided. Collection method: clinical testing. Allele origin: germline. Not counted in ClinVar's aggregate classification.
Comment: The WRN c.2146C>T variant is predicted to result in the amino acid substitution p.Arg716Cys. To our knowledge, this variant has not been reported in the literature. This variant is reported in 0.036% of alleles in individuals of African descent in gnomAD, and is interpreted as a variant of uncertain significance in ClinVar. At this time, the clinical significance of this variant is uncertain due to the absence of conclusive functional and genetic evidence.